The following is an entry in ClinVar:

NM_001854.4(COL11A1):c.2276C>G (p.Pro759Arg)

Gene: COL11A1 (collagen type XI alpha 1 chain; minus strand). Cytogenetic location: 1p21.1.
Variant type: single nucleotide variant.
Coding change: c.2276C>G on transcript NM_001854.4 (MANE Select); coding-DNA position 2276, C replaced by G.
Protein change: p.Pro759Arg; replaces proline 759 with arginine.
Molecular consequence: missense variant. On other transcripts: non-coding transcript variant (1).
Genome position (GRCh38, 1-based): chr1:102,996,008, G>C on the plus strand (C>G on the coding strand, the complement: COL11A1 is on the minus strand). VCF-style: chr1-102996008-G-C. GRCh37 (hg19) VCF-style: chr1-103461564-G-C.
Other names: c.2159C>G, p.Pro720Arg (NM_001190709.2); c.2312C>G, p.Pro771Arg (NM_080629.3); c.1928C>G, p.Pro643Arg (NM_080630.4); short protein forms P720R, P771R, P759R, P643R.
Identifiers: ClinVar variation 5005262 (VCV005005262.2).
Genomic context (GRCh38, chr1:102,996,008, plus strand): 5'-TCACTTTGAAAGTAAATAATGTGAAAACAATTTAACGTTACCTTTACTCCCCGGGGGCCC[G>C]GGTATCCAATAGGACCTTGTGGACCAGGGGGACCCTGAAATAGATGAATTACCACTTATA-3'
Protein context (NP_001845.3, residues 749-769): PPGPQGPIGY[Pro759Arg]GPRGVKGADG

ClinVar aggregate classification (germline): Uncertain significance (1 of 4 stars; one submission).

Conditions:
Hearing loss, autosomal dominant 37. Also called: DEAFNESS, AUTOSOMAL DOMINANT 37. Identifiers: MedGen C4760307, MONDO:0032802, OMIM 618533.
Fibrochondrogenesis 1 (FBCG1). Identifiers: Orphanet 2021, MedGen C3278138, MONDO:0009226, OMIM 228520.
Stickler syndrome type 2 (STL2). Also called: STICKLER SYNDROME, TYPE II; STICKLER SYNDROME, BEADED VITREOUS TYPE; STICKLER SYNDROME, VITREOUS TYPE 2; COL11A1-Related Stickler Syndrome. Identifiers: Orphanet 828, Orphanet 90654, MedGen C1858084, MONDO:0011493, OMIM 604841.
Marshall syndrome (MRSHS). Identifiers: Orphanet 560, MedGen C0265235, MONDO:0007949, OMIM 154780.
Intervertebral disc disorder (IDD). Also called: INTERVERTEBRAL DISC DISEASE; Lumbar disk degenerative disorder. Identifiers: MedGen C0158252, MONDO:0044339, OMIM 603932.

Submission:

Juno Genomics, Hangzhou Juno Genomics, Inc
Classification: Uncertain significance for Intervertebral disc disorder; Hearing loss, autosomal dominant 37; Fibrochondrogenesis 1; Marshall syndrome; Stickler syndrome type 2. Review status: criteria provided, single submitter. Criteria: ACMG Guidelines, 2015. Collection method: clinical testing. Allele origin: germline.
Comment: Absent from controls (or at extremely low frequency if recessive) in Genome Aggregation Database.;Multiple lines of computational evidence support a deleterious effect on the gene or gene product.